The following is an entry in ClinVar:

NM_000088.4(COL1A1):c.1353T>C (p.Pro451=)

Gene: COL1A1 (collagen type I alpha 1 chain; minus strand). Cytogenetic location: 17q21.33.
Variant type: single nucleotide variant.
Coding change: c.1353T>C on transcript NM_000088.4 (MANE Select); coding-DNA position 1353, T replaced by C.
Protein change: p.Pro451=; no amino-acid change (proline 451 retained).
Molecular consequence: synonymous variant.
Genome position (GRCh38, 1-based): chr17:50,195,047, A>G on the plus strand (T>C on the coding strand, the complement: COL1A1 is on the minus strand). VCF-style: chr17-50195047-A-G. GRCh37 (hg19) VCF-style: chr17-48272408-A-G.
Identifiers: ClinVar variation 2895978 (VCV002895978.3), dbSNP rs753764601, ClinGen allele CA8645289.

ClinVar aggregate classification (germline): Uncertain significance (1 of 4 stars; one submission).

Conditions:
Osteogenesis imperfecta type I (OI1). Also called: Lobstein's Disease; OI, TYPE I; OSTEOGENESIS IMPERFECTA TARDA; OSTEOGENESIS IMPERFECTA WITH BLUE SCLERAE; Osteogenesis imperfecta type 1; Lobstein disease. Identifiers: Orphanet 216796, Orphanet 666, MedGen C0023931, MONDO:0008146, OMIM 166200. Disease mechanism: loss of function.

Allele frequency attached by ClinVar (database versions not stated): TOPMed below 0.00001; ExAC 0.00001; gnomAD 0.00001.
gnomAD v4.1: 7 of 1,613,296 alleles (0.00043%); highest among the groups gnomAD compares: East Asian, 0.011%; no homozygotes.

Submission:

Labcorp Genetics (formerly Invitae), Labcorp
Classification: Uncertain significance for Osteogenesis imperfecta type I. Last evaluated: 2023-09-23. Review status: criteria provided, single submitter. Criteria: Invitae Variant Classification Sherloc (09022015). Collection method: clinical testing. Allele origin: germline.
Comment: In summary, the available evidence is currently insufficient to determine the role of this variant in disease. Therefore, it has been classified as a Variant of Uncertain Significance. Algorithms developed to predict the effect of sequence changes on RNA splicing suggest that this variant is not likely to affect RNA splicing. This variant has not been reported in the literature in individuals affected with COL1A1-related conditions. This variant is present in population databases (rs753764601, gnomAD 0.02%). This sequence change affects codon 451 of the COL1A1 mRNA. It is a 'silent' change, meaning that it does not change the encoded amino acid sequence of the COL1A1 protein. It affects a nucleotide within the consensus splice site.